The following is an entry in ClinVar:

NM_001197104.2(KMT2A):c.3559C>T (p.Gln1187Ter)

Gene: KMT2A (lysine methyltransferase 2A; plus strand). Cytogenetic location: 11q23.3.
Variant type: single nucleotide variant.
Coding change: c.3559C>T on transcript NM_001197104.2 (MANE Select); coding-DNA position 3559, C replaced by T.
Protein change: p.Gln1187Ter; replaces glutamine 1187 with a stop codon.
Molecular consequence: nonsense.
Genome position (GRCh38, 1-based): chr11:118,478,191, C>T. VCF-style: chr11-118478191-C-T. GRCh37 (hg19) VCF-style: chr11-118348906-C-T.
Other names: c.3658C>T, p.Gln1220Ter (NM_001412597.1); c.3559C>T, p.Gln1187Ter (NM_005933.4); short protein forms Q1187*, Q1220*.
Identifiers: ClinVar variation 2580057 (VCV002580057.1), dbSNP rs2134287624, ClinGen allele CA382825230.

ClinVar aggregate classification (germline): Likely pathogenic (1 of 4 stars; one submission).

Submission:

GeneDx
Classification: Likely pathogenic. Last evaluated: 2023-03-15. Review status: criteria provided, single submitter. Criteria: GeneDx Variant Classification Process June 2021. Collection method: clinical testing. Allele origin: germline. Affected: yes.
Comment: Nonsense variant predicted to result in protein truncation or nonsense mediated decay in a gene for which loss of function is a known mechanism of disease; Not observed at significant frequency in large population cohorts (gnomAD); Has not been previously published as pathogenic or benign to our knowledge